The following is an entry in ClinVar:

NM_003200.5(TCF3):c.72+3G>T

Gene: TCF3 (transcription factor 3; minus strand). Cytogenetic location: 19p13.3.
Variant type: single nucleotide variant.
Coding change: c.72+3G>T on transcript NM_003200.5 (MANE Select); 3 bases into the intron after coding-DNA position 72, G replaced by T.
Molecular consequence: intron variant.
Genome position (GRCh38, 1-based): chr19:1,650,174, C>A on the plus strand (G>T on the coding strand, the complement: TCF3 is on the minus strand). VCF-style: chr19-1650174-C-A. GRCh37 (hg19) VCF-style: chr19-1650173-C-A.
Other names: c.72+3G>T (NM_001351778.2, NM_001136139.4, NM_001351779.2).
Identifiers: ClinVar variation 2847962 (VCV002847962.3), dbSNP rs369855180, ClinGen allele CA9050605.
Genomic context (GRCh38, chr19:1,650,174, plus strand): 5'-AAACCTTCCCGTGAACTGTGGAGGCAAAGGGGTGTCGGGGGCTGGGCGGGGGTCCTGGCT[C>A]ACCATGCTGAAGTCCAGGAGGTCACTGAGCTCCTTGTCTGTGCCCACAGGCGCCATCCTC-3'

ClinVar aggregate classification (germline): Uncertain significance (1 of 4 stars; one submission).

Allele frequency attached by ClinVar (database versions not stated): 1000 Genomes Project 30x 0.00016; 1000 Genomes Project 0.00020.

Submission:

Labcorp Genetics (formerly Invitae), Labcorp
Classification: Uncertain significance. Last evaluated: 2023-03-20. Review status: criteria provided, single submitter. Criteria: Invitae Variant Classification Sherloc (09022015). Collection method: clinical testing. Allele origin: germline.
Comment: This sequence change falls in intron 2 of the TCF3 gene. It does not directly change the encoded amino acid sequence of the TCF3 protein. It affects a nucleotide within the consensus splice site. The frequency data for this variant in the population databases is considered unreliable, as metrics indicate poor data quality at this position in the gnomAD database. This variant has not been reported in the literature in individuals affected with TCF3-related conditions. Variants that disrupt the consensus splice site are a relatively common cause of aberrant splicing (PMID: 17576681, 9536098). Algorithms developed to predict the effect of sequence changes on RNA splicing suggest that this variant may disrupt the consensus splice site. In summary, the available evidence is currently insufficient to determine the role of this variant in disease. Therefore, it has been classified as a Variant of Uncertain Significance.

Literature cited by the submitters: PubMed 17576681; PubMed 9536098.